The following is an entry in ClinVar:

ClinVar aggregate classification (germline): Pathogenic (1 of 4 stars; one submission).

Conditions:
RYR1-related disorder. Also called: RYR1-related condition; RYR1-related disorders. Identifiers: MedGen CN239331.

Submission:

Labcorp Genetics (formerly Invitae), Labcorp
Classification: Pathogenic for RYR1-related disorder. Last evaluated: 2025-01-29. Review status: criteria provided, single submitter. Criteria: Invitae Variant Classification Sherloc (09022015). Collection method: clinical testing. Allele origin: germline.
Comment: This sequence change creates a premature translational stop signal (p.Gly4455Valfs*98) in the RYR1 gene. It is expected to result in an absent or disrupted protein product. Loss-of-function variants in RYR1 are known to be pathogenic (PMID: 23919265, 25960145, 28818389, 30611313). This variant is not present in population databases (gnomAD no frequency). This variant has not been reported in the literature in individuals affected with RYR1-related conditions. For these reasons, this variant has been classified as Pathogenic.

Literature cited by the submitters: PubMed 23919265; PubMed 25960145; PubMed 28818389; PubMed 30611313.

NM_000540.3(RYR1):c.13357_13361dup (p.Gly4455fs)

Gene: RYR1 (ryanodine receptor 1; plus strand). Cytogenetic location: 19q13.2.
Variant type: Duplication.
Coding change: c.13357_13361dup on transcript NM_000540.3 (MANE Select); coding-DNA positions 13357 to 13361, 5 bases duplicated (GGTCT; older notation c.13357_13361dupGGTCT).
Protein change: p.Gly4455fs; shifts the reading frame from glycine 4455.
Molecular consequence: frameshift variant.
Genome position (GRCh38, 1-based): chr19:38,565,691-38,565,695, GGTCT duplicated. VCF-style (leftmost placement, unchanged base first): chr19-38565690-C-CGGTCT. GRCh37 (hg19) VCF-style: chr19-39056330-C-CGGTCT.
Other names: c.13342_13346dup, p.Gly4450fs (NM_001042723.2); short protein forms G4450fs, G4455fs.
Identifiers: ClinVar variation 3729799 (VCV003729799.2).
Genomic context (GRCh38, chr19:38,565,690, plus strand): 5'-CGGTGCCGACGGGGCGGTGGCCGTGACCGATGGGGGCCCCTTCCGGCCCGAAGGGGCTGG[C>CGGTCT]GGTCTCGGGGACATGGGGGACACGACGCCTGCGGAACCGCCCACACCCGAGGGCTCTCCC-3'